The following continues an entry in ClinVar:

NM_007294.4(BRCA1):c.5074+1G>T

Gene: BRCA1. ClinVar aggregate classification (germline): Pathogenic. Pathogenic (1).

Submissions 8 to 13 of 13:

GeneDx
Classification: Pathogenic. Last evaluated: 2016-08-02. Review status: criteria provided, single submitter. Criteria: GeneDx Variant Classification (06012015). Collection method: clinical testing. Allele origin: germline. Affected: yes. Not counted in ClinVar's aggregate classification.
Comment: This variant is denoted BRCA1 c.5074+1G>T or IVS16+1G>T and consists of a G>T nucleotide substitution at the +1 position of intron 16 of the BRCA1 gene. Using alternate nomenclature, this variant has previously been published as BRCA1 5193+1G>T and IVS17+1G>T. This variant destroys a canonical splice donor site and is predicted to cause abnormal gene splicing, leading to either an abnormal message that is subject to nonsense-mediated mRNA decay or to an abnormal protein product. This variant has been reported in multiple individuals with a personal and/or family history consistent with Hereditary Breast and Ovarian Cancer (Choi 2004, Kang 2015, Gonzalez-Rivera 2016, Seifert 2016). Brose et al. (2004) performed RT-PCR studies that revealed that this variant produces a truncated protein product. In addition, Steffensen et. al. (2014) used a mingene assay to further evaluate the splicing defect caused by this variant and two aberrant transcripts were observed, both of which are expected to result in a truncated protein product. Based on the current evidence, we consider this variant to be pathogenic.

Consortium of Investigators of Modifiers of BRCA1/2 (CIMBA), c/o University of Cambridge
Classification: Pathogenic for Breast-ovarian cancer, familial, susceptibility to, 1. Last evaluated: 2015-10-02. Review status: criteria provided, single submitter. Criteria: CIMBA Mutation Classification guidelines May 2016. Collection method: clinical testing. Allele origin: germline. Not counted in ClinVar's aggregate classification.

Research Molecular Genetics Laboratory, Women's College Hospital, University of Toronto
Classification: Pathogenic for Hereditary breast ovarian cancer syndrome. Last evaluated: 2014-01-31. Review status: no assertion criteria provided. Collection method: research. Allele origin: germline. Affected: yes. Study: The Canadian Open Genetics Repository (COGR). Not counted in ClinVar's aggregate classification.

Sharing Clinical Reports Project (SCRP)
Classification: Likely pathogenic for Breast-ovarian cancer, familial 1. Last evaluated: 2007-03-20. Review status: no assertion criteria provided. Collection method: clinical testing. Allele origin: germline. Not counted in ClinVar's aggregate classification.

Breast Cancer Information Core (BIC) (BRCA1)
Classification: Pathogenic for Breast-ovarian cancer, familial 1. Last evaluated: 1999-04-12. Review status: no assertion criteria provided. Collection method: clinical testing. Allele origin: germline. Affected: yes. Observed: 3 variant alleles. Not counted in ClinVar's aggregate classification.

Brotman Baty Institute, University of Washington
No classification provided (evidence only). Condition: Breast-ovarian cancer, familial 1. Review status: no classification provided. Collection method: in vitro. Allele origin: not applicable. Functional consequence: functionally_abnormal. Not counted in ClinVar's aggregate classification.
ClinVar note: "not provided" was previously submitted as the classification for the variant. However, the classification appeared to be based only on an observation of functional data so it was converted to no classification on 2025-07-30.

Literature cited by the submitters: PubMed 31131967 (cited by Evidence-based Network for the Interpretation of Germline Mutant Alleles (ENIGMA)); PubMed 15117986 (cited by 4 submitters); PubMed 22752604 (cited by 5 submitters); PubMed 28231738 (cited by Ambry Genetics); PubMed 29446198 (cited by 3 submitters); PubMed 30078507 (cited by 5 submitters); PubMed 30209399 (cited by 4 submitters); PubMed 31090900 (cited by Ambry Genetics); PubMed 31161121 (cited by Ambry Genetics); PubMed 31209999 (cited by Ambry Genetics); PubMed 31528241 (cited by Ambry Genetics); PubMed 30350268 (cited by 3 submitters); PubMed 15345110 (cited by 3 submitters); PubMed 24667779 (cited by Labcorp Genetics (formerly Invitae), Labcorp and Color Diagnostics, LLC DBA Color Health); PubMed 22711857 (cited by Color Diagnostics, LLC DBA Color Health); PubMed 34657357 (cited by Color Diagnostics, LLC DBA Color Health); PubMed 31706072 (cited by Women's Health and Genetics/Laboratory Corporation of America, LabCorp).